The following is an entry in ClinVar:

NM_001009944.3(PKD1):c.6740C>G (p.Ala2247Gly)

Gene: PKD1 (polycystin 1, transient receptor potential channel interacting; minus strand). Cytogenetic location: 16p13.3.
Variant type: single nucleotide variant.
Coding change: c.6740C>G on transcript NM_001009944.3 (MANE Select); coding-DNA position 6740, C replaced by G.
Protein change: p.Ala2247Gly; replaces alanine 2247 with glycine.
Molecular consequence: missense variant.
Genome position (GRCh38, 1-based): chr16:2,108,427, G>C on the plus strand (C>G on the coding strand, the complement: PKD1 is on the minus strand). VCF-style: chr16-2108427-G-C. GRCh37 (hg19) VCF-style: chr16-2158428-G-C.
Other names: c.6740C>G, p.Ala2247Gly (NM_000296.4); short protein forms A2247G.
Identifiers: ClinVar variation 3365872 (VCV003365872.1).

ClinVar aggregate classification (germline): Uncertain significance (1 of 4 stars; one submission).

Submission:

GeneDx
Classification: Uncertain significance. Last evaluated: 2023-12-19. Review status: criteria provided, single submitter. Criteria: GeneDx Variant Classification Process June 2021. Collection method: clinical testing. Allele origin: germline. Affected: yes.
Comment: Not observed at significant frequency in large population cohorts (gnomAD); In silico analysis supports that this missense variant does not alter protein structure/function; Has not been previously published as pathogenic or benign to our knowledge